The following is an entry in ClinVar:

ClinVar aggregate classification (germline): Likely benign. Review status: criteria provided, multiple submitters, no conflicts (2 of 4 stars). 2 submissions from 2 submitters: Likely benign (2). Last evaluated 2026-05-26.

Conditions:
CNGB1-related disorder. Also called: CNGB1-related condition.

gnomAD v4.1: 44 of 1,613,654 alleles (0.0027%); highest among the groups gnomAD compares: Non-Finnish European, 0.0035%; no homozygotes.

Submissions (2):

PreventionGenetics, part of Exact Sciences
Classification: Likely benign for CNGB1-related condition. Last evaluated: 2026-05-26. Review status: criteria provided, single submitter. Criteria: ACMG Guidelines, 2015. Collection method: clinical testing. Allele origin: germline.
Comment: This variant is classified as likely benign based on ACMG/AMP sequence variant interpretation guidelines (Richards et al. 2015 PMID: 25741868, with internal and published modifications).

Blueprint Genetics
Classification: Likely benign. Last evaluated: 2022-11-07. Review status: criteria provided, single submitter. Criteria: ACMG Guidelines, 2015. Collection method: clinical testing. Allele origin: germline.

NM_001297.5(CNGB1):c.3462+8G>A

Gene: CNGB1 (cyclic nucleotide gated channel subunit beta 1; minus strand). Cytogenetic location: 16q21.
Variant type: single nucleotide variant.
Coding change: c.3462+8G>A on transcript NM_001297.5 (MANE Select); 8 bases into the intron after coding-DNA position 3462, G replaced by A.
Molecular consequence: intron variant.
Genome position (GRCh38, 1-based): chr16:57,887,847, C>T on the plus strand (G>A on the coding strand, the complement: CNGB1 is on the minus strand). VCF-style: chr16-57887847-C-T. GRCh37 (hg19) VCF-style: chr16-57921751-C-T.
Other names: c.3444+8G>A (NM_001286130.2); c.3462+8G>A (NM_001297.4).
Identifiers: ClinVar variation 4930185 (VCV004930185.2).
Genomic context (GRCh38, chr16:57,887,847, plus strand): 5'-AGACCCCTTGGCCTTCTCCCTGACACATATTGAAATGAACGTGGTGGCTGGGTTCCCAAC[C>T]ACATTACCTGTTCCACCAACTCTTGCTGCTTTGCAGCCGCCTCCAGCGCGGCCAGTTCTT-3'